The following is an entry in ClinVar:

ClinVar aggregate classification (germline): Uncertain significance (1 of 4 stars; one submission).

Submission:

GeneDx
Classification: Uncertain significance. Last evaluated: 2016-02-02. Review status: criteria provided, single submitter. Criteria: GeneDx Variant Classification (06012015). Collection method: clinical testing. Allele origin: germline. Affected: yes.
Comment: This variant is denoted BRCA2 c.1910-17T>G or IVS10-17T>G and consists of a T>G nucleotide substitution at the -17 position of intron 10 of the BRCA2 gene. This variant has not, to our knowledge, been published in the literature as pathogenic or benign. This variant was not observed in approximately 6,500 individuals of European and African American ancestry in the NHLBI Exome Sequencing Project, suggesting it is not a common benign variant in these populations. BRCA2 c.1910-17T>G is not predicted to cause abnormal splicing; however, the thymine (T) nucleotide that is altered is conserved across species. Based on currently available information, it is unclear whether BRCA2 c.1910-17T>G is pathogenic or benign.

NM_000059.4(BRCA2):c.1910-17T>G

Gene: BRCA2 (BRCA2 DNA repair associated; plus strand). Cytogenetic location: 13q13.1.
Variant type: single nucleotide variant.
Coding change: c.1910-17T>G on transcript NM_000059.4 (MANE Select); 17 bases into the intron before coding-DNA position 1910, T replaced by G.
Molecular consequence: intron variant.
Genome position (GRCh38, 1-based): chr13:32,336,248, T>G. VCF-style: chr13-32336248-T-G. GRCh37 (hg19) VCF-style: chr13-32910385-T-G.
Identifiers: ClinVar variation 234797 (VCV000234797.2), dbSNP rs81002864, ClinGen allele CA10577463.